The following is an entry in ClinVar:

ClinVar aggregate classification (germline): Uncertain significance (1 of 4 stars; one submission).

Conditions:
Hermansky-Pudlak syndrome 2 (HPS2). Also called: Platelet defects and oculocutaneous albinism. Identifiers: Orphanet 183678, Orphanet 79430, MedGen C1842362, MONDO:0011997, OMIM 608233.

Allele frequency attached by ClinVar (database versions not stated): TOPMed 0.00001.
gnomAD v4.1: 6 of 1,613,830 alleles (0.00037%); highest among the groups gnomAD compares: East Asian, 0.0022%; no homozygotes.

Submission:

Labcorp Genetics (formerly Invitae), Labcorp
Classification: Uncertain significance for Hermansky-Pudlak syndrome 2. Last evaluated: 2020-04-21. Review status: criteria provided, single submitter. Criteria: Invitae Variant Classification Sherloc (09022015). Collection method: clinical testing. Allele origin: germline.
Comment: This variant is not present in population databases (ExAC no frequency). This sequence change replaces asparagine with threonine at codon 670 of the AP3B1 protein (p.Asn670Thr). The asparagine residue is weakly conserved and there is a small physicochemical difference between asparagine and threonine. This variant has not been reported in the literature in individuals with AP3B1-related conditions. In summary, the available evidence is currently insufficient to determine the role of this variant in disease. Therefore, it has been classified as a Variant of Uncertain Significance. Algorithms developed to predict the effect of missense changes on protein structure and function output the following: SIFT: "Tolerated"; PolyPhen-2: "Benign"; Align-GVGD: "Class C0". The threonine amino acid residue is found in multiple mammalian species, suggesting that this missense change does not adversely affect protein function. These predictions have not been confirmed by published functional studies and their clinical significance is uncertain.

NM_003664.5(AP3B1):c.2009A>C (p.Asn670Thr)

Gene: AP3B1 (adaptor related protein complex 3 subunit beta 1; minus strand). Cytogenetic location: 5q14.1.
Variant type: single nucleotide variant.
Coding change: c.2009A>C on transcript NM_003664.5 (MANE Select); coding-DNA position 2009, A replaced by C.
Protein change: p.Asn670Thr; replaces asparagine 670 with threonine.
Molecular consequence: missense variant.
Genome position (GRCh38, 1-based): chr5:78,116,194, T>G on the plus strand (A>C on the coding strand, the complement: AP3B1 is on the minus strand). VCF-style: chr5-78116194-T-G. GRCh37 (hg19) VCF-style: chr5-77412018-T-G.
Other names: c.1862A>C, p.Asn621Thr (NM_001271769.2); short protein forms N621T, N670T.
Identifiers: ClinVar variation 1034477 (VCV001034477.8), dbSNP rs757825991, ClinGen allele CA360185263.
Genomic context (GRCh38, chr5:78,116,194, plus strand): 5'-CTGCTACTATCAGAAGAGTCCTCCTCTTCCTCAGATTCAGAATAAAACTTCTTAGCAGAA[T>G]TCTCTTGCTTTGCTTTTCCTGCTGGGGTCCATTCTTTTGCCTGTTTAAACAAATAAAGTA-3'
Protein context (NP_003655.3, residues 660-680): WTPAGKAKQE[Asn670Thr]SAKKFYSESE